The following is an entry in ClinVar:

NM_152743.4(BRAT1):c.923+1G>A

Gene: BRAT1 (BRCA1 associated ATM activator 1; minus strand). Cytogenetic location: 7p22.3.
Variant type: single nucleotide variant.
Coding change: c.923+1G>A on transcript NM_152743.4 (MANE Select); the canonical splice donor site of the intron after coding-DNA position 923, G replaced by A.
Molecular consequence: splice donor variant.
Genome position (GRCh38, 1-based): chr7:2,543,203, C>T on the plus strand (G>A on the coding strand, the complement: BRAT1 is on the minus strand). VCF-style: chr7-2543203-C-T. GRCh37 (hg19) VCF-style: chr7-2582837-C-T.
Other names: c.398+1G>A (NM_001350627.2); c.923+1G>A (NM_001350626.2).
Identifiers: ClinVar variation 3727473 (VCV003727473.2).
Genomic context (GRCh38, chr7:2,543,203, plus strand): 5'-CCTCCCTGCCTGCCCCAGCTCCCAGCACCCGCCTCGGAATGAAATGCACCCCAGACCATA[C>T]CAGTGCTCGAGCTTCAGGATCCCCAAAGCCAGGGGTCCCATGTGGGTGGGACCCAGGCAG-3'

ClinVar aggregate classification (germline): Likely pathogenic (1 of 4 stars; one submission).

Conditions:
Neonatal-onset encephalopathy with rigidity and seizures. Also called: Lethal neonatal spasticity-epileptic encephalopathy syndrome. Identifiers: Orphanet 435845, MedGen C3281029, MONDO:0013784, OMIM 614498.

gnomAD v4.1: 2 of 1,602,660 alleles (0.00012%); highest among the groups gnomAD compares: Admixed American, 0.0017%; no homozygotes.

Submission:

Labcorp Genetics (formerly Invitae), Labcorp
Classification: Likely pathogenic for Neonatal-onset encephalopathy with rigidity and seizures. Last evaluated: 2025-11-05. Review status: criteria provided, single submitter. Criteria: Invitae Variant Classification Sherloc (09022015). Collection method: clinical testing. Allele origin: germline.
Comment: This sequence change affects a donor splice site in intron 6 of the BRAT1 gene. It is expected to disrupt RNA splicing. Variants that disrupt the donor or acceptor splice site typically lead to a loss of protein function (PMID: 16199547), and loss-of-function variants in BRAT1 are known to be pathogenic (PMID: 22279524, 25500575). This variant is not present in population databases (gnomAD no frequency). This variant has not been reported in the literature in individuals affected with BRAT1-related conditions. ClinVar contains an entry for this variant (Variation ID: 3727473). Algorithms developed to predict the effect of sequence changes on RNA splicing suggest that this variant may disrupt the consensus splice site. In summary, the currently available evidence indicates that the variant is pathogenic, but additional data are needed to prove that conclusively. Therefore, this variant has been classified as Likely Pathogenic.

Literature cited by the submitters: PubMed 16199547; PubMed 22279524; PubMed 25500575.